The following is an entry in ClinVar:

ClinVar aggregate classification (germline): Uncertain significance (1 of 4 stars; one submission).

Submission:

GeneDx
Classification: Uncertain significance. Last evaluated: 2025-02-20. Review status: criteria provided, single submitter. Criteria: GeneDx Variant Classification Process June 2021. Collection method: clinical testing. Allele origin: germline. Affected: yes.
Comment: Not observed at significant frequency in large population cohorts (gnomAD); In silico analysis supports that this missense variant has a deleterious effect on protein structure/function; Has not been previously published as pathogenic or benign to our knowledge

NM_001128840.3(CACNA1D):c.739C>G (p.Pro247Ala)

Gene: CACNA1D (calcium voltage-gated channel subunit alpha1 D; plus strand). Cytogenetic location: 3p21.1.
Variant type: single nucleotide variant.
Coding change: c.739C>G on transcript NM_001128840.3 (MANE Select); coding-DNA position 739, C replaced by G.
Protein change: p.Pro247Ala; replaces proline 247 with alanine.
Molecular consequence: missense variant.
Genome position (GRCh38, 1-based): chr3:53,660,248, C>G. VCF-style: chr3-53660248-C-G. GRCh37 (hg19) VCF-style: chr3-53694275-C-G.
Other names: c.739C>G, p.Pro247Ala (NM_000720.4, NM_001128839.3); short protein forms P247A.
Identifiers: ClinVar variation 4076873 (VCV004076873.1).
Genomic context (GRCh38, chr3:53,660,248, plus strand): 5'-TCAAGCGGCAAATCTGGAGGCTTTGATGTCAAAGCCCTCCGTGCCTTTCGAGTGTTGCGA[C>G]CACTTCGACTAGTGTCAGGAGTGCCCAGTAAGCACTTATTGTTTCCTAGAGTCAGGAGTG-3'
Protein context (NP_001122312.1, residues 237-257): KALRAFRVLR[Pro247Ala]LRLVSGVPSL